The following is an entry in ClinVar:

ClinVar aggregate classification (germline): Uncertain significance. Review status: criteria provided, multiple submitters, no conflicts (2 of 4 stars). 8 submissions from 8 submitters: Uncertain significance (8). Last evaluated 2025-12-24.

Conditions:
BARD1-related cancer predisposition. Identifiers: MedGen CN377756, MONDO:0700267.
Hereditary cancer-predisposing syndrome. Also called: Neoplastic Syndromes, Hereditary; Tumor predisposition; Hereditary Cancer Syndrome; Hereditary neoplastic syndrome. Identifiers: Orphanet 140162, MedGen C0027672, MeSH D009386, MONDO:0015356.
Familial cancer of breast. Also called: BREAST CANCER, FAMILIAL; Hereditary breast cancer; hereditary breast carcinoma. Identifiers: Orphanet 227535, MedGen C0346153, MONDO:0016419, OMIM 114480. Disease mechanism: loss of function.

Allele frequency attached by ClinVar (database versions not stated): gnomAD exomes below 0.00001 and 0.00001; TOPMed below 0.00001; ExAC 0.00001; gnomAD 0.00002; ESP Exome Variant Server 0.00008.
gnomAD v4.1: 6 of 1,613,978 alleles (0.00037%); highest among the groups gnomAD compares: African/African-American, 0.008%; no homozygotes.

Submissions (8):

Labcorp Genetics (formerly Invitae), Labcorp
Classification: Uncertain significance for Familial cancer of breast. Last evaluated: 2025-12-24. Review status: criteria provided, single submitter. Criteria: Invitae Variant Classification Sherloc (09022015). Collection method: clinical testing. Allele origin: germline.
Comment: This sequence change replaces leucine, which is neutral and non-polar, with serine, which is neutral and polar, at codon 480 of the BARD1 protein (p.Leu480Ser). This variant is present in population databases (rs149839922, gnomAD 0.02%). This variant has not been reported in the literature in individuals affected with BARD1-related conditions. ClinVar contains an entry for this variant (Variation ID: 186616). An algorithm developed to predict the effect of missense changes on protein structure and function (PolyPhen-2) suggests that this variant is likely to be disruptive. Experimental studies have shown that this missense change affects BARD1 function (PMID: 30925164). In summary, the available evidence is currently insufficient to determine the role of this variant in disease. Therefore, it has been classified as a Variant of Uncertain Significance.

Institute for Genomic Medicine (IGM) Clinical Laboratory, Nationwide Children's Hospital
Classification: Uncertain significance for BARD1-related cancer predisposition. Last evaluated: 2025-06-12. Review status: criteria provided, single submitter. Criteria: ACMG Guidelines, 2015. Collection method: clinical testing. Allele origin: germline.
Comment: Well-established functional studies have demonstrated this variant to have a damaging effect on protein function or splicing (ACMG/AMP: PS3_Supporting; PMID:30925164). This variant has been reported at an elevated frequency in affected individuals/in multiple affected individuals in the literature (ACMG/AMP: PS4_Supporting). This variant is predicted to alter protein function or structure, or disrupt splicing by multiple in silico tools (ACMG/AMP: PP3). This variant results in a missense alteration in a gene for which primarily truncating variants are known to cause disease (ACMG/AMP: BP1).

Ambry Genetics
Classification: Uncertain significance for Hereditary cancer-predisposing syndrome. Last evaluated: 2025-06-10. Review status: criteria provided, single submitter. Criteria: Ambry Variant Classification Scheme 2023. Collection method: clinical testing. Allele origin: germline.
Comment: The p.L480S variant (also known as c.1439T>C), located in coding exon 6 of the BARD1 gene, results from a T to C substitution at nucleotide position 1439. The leucine at codon 480 is replaced by serine, an amino acid with dissimilar properties. In a homology-directed repair (HDR) assay, this alteration showed HDR activity below the cutoff for proficiency (Adamovich AI et al. PLoS Genet. 2019 03;15(3):e1008049). This amino acid position is highly conserved in available vertebrate species. In addition, this alteration is predicted to be deleterious by in silico analysis. Based on the available evidence, the clinical significance of this variant remains unclear.

OLLIN Analises Genomicas, OLLIN
Classification: Uncertain significance for Familial cancer of breast. Last evaluated: 2025-04-03. Review status: criteria provided, single submitter. Criteria: ACMG Guidelines 2015 PMID 25741868. Collection method: clinical testing. Allele origin: germline. Affected: yes. Observed: 1 variant allele.
Comment: The missense variant (chr2:214767611A>G), located in exon 6 (of 11), present in gnomAD v4.1 non-UKB with an allele frequency of 0.0005%, is reported in ClinVar (VCV000186616.29) and in the scientific literature in individuals with breast cancer (PMID: 30925164, 31871109, 30804502, 23056176). This gene exhibits high tolerance to missense variants. However, functional studies suggest that this variant affects protein function (PMID: 30925164), and in silico analysis predicts a deleterious effect on protein function. According to the currently available evidence, this variant has been classified as of uncertain significance (VUS) (PS3_P, PP3_S, BP1).

GeneDx
Classification: Uncertain significance. Last evaluated: 2025-01-27. Review status: criteria provided, single submitter. Criteria: GeneDx Variant Classification Process June 2021. Collection method: clinical testing. Allele origin: germline. Affected: yes.
Comment: Not observed at significant frequency in large population cohorts (gnomAD); In silico analysis supports that this missense variant has a deleterious effect on protein structure/function; Published functional studies demonstrate significantly reduced homology-directed repair (HDR) activity compared to wildtype (PMID: 30925164); This variant is associated with the following publications: (PMID: 23056176, 30804502, 31871109, 30925164, 18480049, 37502949)

Quest Diagnostics Nichols Institute San Juan Capistrano
Classification: Uncertain significance. Last evaluated: 2024-03-27. Review status: criteria provided, single submitter. Criteria: Quest Diagnostics criteria. Collection method: clinical testing. Allele origin: unknown.
Comment: The BARD1 c.1439T>C (p.Leu480Ser) variant has been described as a variant of uncertain significance in a breast cancer case-control study (PMID: 31871109 (2019)), and shown to have deleterious effect on BARD1 DNA damage repair activity (PMID: 30925164 (2019)). The frequency of this variant in the general population, 0.0002 (5/24970 chromosomes in African/African-American subpopulation (Genome Aggregation Database)), is higher than would generally be expected for pathogenic variants in this gene. Analysis of this variant using bioinformatics tools for the prediction of the effect of amino acid changes on protein structure and function yielded predictions that this variant is damaging. Based on the available information, we are unable to determine the clinical significance of this variant.

Baylor Genetics
Classification: Uncertain significance for Familial cancer of breast. Last evaluated: 2024-03-26. Review status: criteria provided, single submitter. Criteria: ACMG Guidelines, 2015. Collection method: clinical testing. Allele origin: unknown.

Color Diagnostics, LLC DBA Color Health
Classification: Uncertain significance for Hereditary cancer-predisposing syndrome. Last evaluated: 2022-08-29. Review status: criteria provided, single submitter. Criteria: ACMG Guidelines, 2015. Collection method: clinical testing. Allele origin: germline.
Comment: This missense variant replaces leucine with serine at codon 480 of the BARD1 protein. Computational prediction suggests that this variant may have deleterious impact on protein structure and function (internally defined REVEL score threshold >= 0.7, PMID: 27666373). A functional study has shown the mutant protein to exhibit significantly reduced homology-directed repair activity (PMID: 30925164). This variant has been reported in an individual affected with breast cancer (PMID: 31871109). This variant has been identified in 5/282726 chromosomes in the general population by the Genome Aggregation Database (gnomAD). All five of these alleles were observed in the African population in the non-cancer cohort (5/23616). The available evidence is insufficient to determine the role of this variant in disease conclusively. Therefore, this variant is classified as a Variant of Uncertain Significance.

Literature cited by the submitters: PubMed 30925164 (cited by 6 submitters); PubMed 23056176 (cited by 3 submitters); PubMed 31871109 (cited by 3 submitters); PubMed 30804502 (cited by OLLIN Analises Genomicas, OLLIN and Quest Diagnostics Nichols Institute San Juan Capistrano).

NM_000465.4(BARD1):c.1439T>C (p.Leu480Ser)

Gene: BARD1 (BRCA1 associated RING domain 1; minus strand). Cytogenetic location: 2q35.
Variant type: single nucleotide variant.
Coding change: c.1439T>C on transcript NM_000465.4 (MANE Select); coding-DNA position 1439, T replaced by C.
Protein change: p.Leu480Ser; replaces leucine 480 with serine.
Molecular consequence: missense variant. On other transcripts: non-coding transcript variant (3), intron variant (3).
Genome position (GRCh38, 1-based): chr2:214,767,611, A>G on the plus strand (T>C on the coding strand, the complement: BARD1 is on the minus strand). VCF-style: chr2-214767611-A-G. GRCh37 (hg19) VCF-style: chr2-215632335-A-G.
Other names: c.1382T>C, p.Leu461Ser (NM_001282543.2); c.159-15056T>C (NM_001282548.2); c.216-15056T>C (NM_001282545.2); c.364+24686T>C (NM_001282549.2); short protein forms L480S, L461S.
Identifiers: ClinVar variation 186616 (VCV000186616.30), dbSNP rs149839922, ClinGen allele CA195345.